The following is an entry in ClinVar:

NM_014141.6(CNTNAP2):c.128T>G (p.Leu43Arg)

Gene: CNTNAP2 (contactin associated protein 2; plus strand). Cytogenetic location: 7q35.
Variant type: single nucleotide variant.
Coding change: c.128T>G on transcript NM_014141.6 (MANE Select); coding-DNA position 128, T replaced by G.
Protein change: p.Leu43Arg; replaces leucine 43 with arginine.
Molecular consequence: missense variant.
Genome position (GRCh38, 1-based): chr7:146,774,301, T>G. VCF-style: chr7-146774301-T-G. GRCh37 (hg19) VCF-style: chr7-146471393-T-G.
Other names: c.128T>G (NM_014141.5); short protein forms L43R.
Identifiers: ClinVar variation 2852779 (VCV002852779.4), dbSNP rs2485547309, ClinGen allele CA369922283.

ClinVar aggregate classification (germline): Uncertain significance. Review status: criteria provided, multiple submitters, no conflicts (2 of 4 stars). 2 submissions from 2 submitters: Uncertain significance (2). Last evaluated 2023-11-02.

Conditions:
Cortical dysplasia-focal epilepsy syndrome (PTHSL1). Also called: Pitt-Hopkins-like syndrome 1. Identifiers: Orphanet 163681, Orphanet 221150, MedGen C2750246, MONDO:0012400, OMIM 610042.

Submissions (2):

GeneDx
Classification: Uncertain significance. Last evaluated: 2023-11-02. Review status: criteria provided, single submitter. Criteria: GeneDx Variant Classification Process June 2021. Collection method: clinical testing. Allele origin: germline. Affected: yes.
Comment: Not observed at significant frequency in large population cohorts (gnomAD); In silico analysis supports that this missense variant has a deleterious effect on protein structure/function; Has not been previously published as pathogenic or benign to our knowledge

Labcorp Genetics (formerly Invitae), Labcorp
Classification: Uncertain significance for Cortical dysplasia-focal epilepsy syndrome. Last evaluated: 2023-10-13. Review status: criteria provided, single submitter. Criteria: Invitae Variant Classification Sherloc (09022015). Collection method: clinical testing. Allele origin: germline.
Comment: This sequence change replaces leucine, which is neutral and non-polar, with arginine, which is basic and polar, at codon 43 of the CNTNAP2 protein (p.Leu43Arg). This variant is not present in population databases (gnomAD no frequency). This variant has not been reported in the literature in individuals affected with CNTNAP2-related conditions. An algorithm developed to predict the effect of missense changes on protein structure and function (PolyPhen-2) suggests that this variant is likely to be tolerated. In summary, the available evidence is currently insufficient to determine the role of this variant in disease. Therefore, it has been classified as a Variant of Uncertain Significance.